The following is an entry in ClinVar:

ClinVar aggregate classification (germline): Likely pathogenic (1 of 4 stars; one submission).

Conditions:
Autosomal recessive limb-girdle muscular dystrophy type 2J (LGMDR10). Also called: Limb-girdle muscular dystrophy, type 2J; MUSCULAR DYSTROPHY, LIMB-GIRDLE, AUTOSOMAL RECESSIVE 10. Identifiers: Orphanet 140922, MedGen C1837342, MONDO:0012127, OMIM 608807.
Dilated cardiomyopathy 1G (CMD1G). Identifiers: Orphanet 154, MedGen C1858763, MONDO:0011400, OMIM 604145.

Submission:

Labcorp Genetics (formerly Invitae), Labcorp
Classification: Likely pathogenic for Dilated cardiomyopathy 1G; Autosomal recessive limb-girdle muscular dystrophy type 2J. Last evaluated: 2025-09-27. Review status: criteria provided, single submitter. Criteria: Invitae Variant Classification Sherloc (09022015). Collection method: clinical testing. Allele origin: germline.
Comment: This sequence change creates a premature translational stop signal (p.Lys2835Serfs*19) in the TTN gene. While this is not anticipated to result in nonsense mediated decay, it is expected to create a truncated TTN protein. This variant is not present in population databases (gnomAD no frequency). This variant has not been reported in the literature in individuals affected with TTN-related conditions. This variant is located in the I band of TTN (PMID: 25589632). Truncating variants in this region have been reported in individuals affected with autosomal recessive centronuclear myopathy (PMID: 23975875, internal data). Truncating variants in this region have also been identified in individuals affected with autosomal dominant dilated cardiomyopathy and/or cardio-related conditions (PMID: 27869827, 32964742, internal data). In summary, the currently available evidence indicates that the variant is pathogenic, but additional data are needed to prove that conclusively. Therefore, this variant has been classified as Likely Pathogenic.

Literature cited by the submitters: PubMed 25589632; PubMed 23975875; PubMed 27869827; PubMed 32964742.

NM_001267550.2(TTN):c.8501_8502insCTCAT (p.Lys2835fs)

Gene: TTN (titin; minus strand). Cytogenetic location: 2q31.2.
Variant type: Insertion.
Coding change: c.8501_8502insCTCAT on transcript NM_001267550.2 (MANE Select); coding-DNA positions 8501 to 8502, CTCAT inserted.
Protein change: p.Lys2835fs; shifts the reading frame from lysine 2835.
Molecular consequence: frameshift variant.
Genome position: GRCh38 VCF-style: chr2-178770199-A-AATGAG. GRCh37 (hg19) VCF-style: chr2-179634926-A-AATGAG.
Other names: c.8501_8502insCTCAT, p.Lys2835fs (NM_001256850.1, NM_133378.4, NM_133379.5); c.8363_8364insCTCAT, p.Lys2789fs (NM_003319.4, NM_133437.4, NM_133432.3); short protein forms K2789fs, K2835fs.
Identifiers: ClinVar variation 4786245 (VCV004786245.1).